The following is an entry in ClinVar:

NM_001375.3(DNASE2):c.1060C>G (p.Pro354Ala)

Gene: DNASE2 (deoxyribonuclease 2, lysosomal; minus strand). Cytogenetic location: 19p13.13.
Variant type: single nucleotide variant.
Coding change: c.1060C>G on transcript NM_001375.3 (MANE Select); coding-DNA position 1060, C replaced by G.
Protein change: p.Pro354Ala; replaces proline 354 with alanine.
Molecular consequence: missense variant.
Genome position (GRCh38, 1-based): chr19:12,876,013, G>C on the plus strand (C>G on the coding strand, the complement: DNASE2 is on the minus strand). VCF-style: chr19-12876013-G-C. GRCh37 (hg19) VCF-style: chr19-12986827-G-C.
Other names: short protein forms P354A.
Identifiers: ClinVar variation 2009154 (VCV002009154.4), dbSNP rs1002518341, ClinGen allele CA305497391.

ClinVar aggregate classification (germline): Uncertain significance (1 of 4 stars; one submission).

Allele frequency attached by ClinVar (database versions not stated): gnomAD exomes below 0.00001; TOPMed 0.00001.
gnomAD v4.1: 2 of 1,613,484 alleles (0.00012%); highest among the groups gnomAD compares: African/African-American, 0.0013%; no homozygotes.

Submission:

Labcorp Genetics (formerly Invitae), Labcorp
Classification: Uncertain significance. Last evaluated: 2024-11-04. Review status: criteria provided, single submitter. Criteria: Invitae Variant Classification Sherloc (09022015). Collection method: clinical testing. Allele origin: germline.
Comment: This sequence change replaces proline, which is neutral and non-polar, with alanine, which is neutral and non-polar, at codon 354 of the DNASE2 protein (p.Pro354Ala). This variant is not present in population databases (gnomAD no frequency). This variant has not been reported in the literature in individuals affected with DNASE2-related conditions. ClinVar contains an entry for this variant (Variation ID: 2009154). An algorithm developed to predict the effect of missense changes on protein structure and function (PolyPhen-2) suggests that this variant is likely to be tolerated. In summary, the available evidence is currently insufficient to determine the role of this variant in disease. Therefore, it has been classified as a Variant of Uncertain Significance.